The following is an entry in ClinVar:

NM_000166.6(GJB1):c.219T>A (p.His73Gln)

Gene: GJB1 (gap junction protein beta 1; plus strand). Cytogenetic location: Xq13.1.
Variant type: single nucleotide variant.
Coding change: c.219T>A on transcript NM_000166.6 (MANE Select); coding-DNA position 219, T replaced by A.
Protein change: p.His73Gln; replaces histidine 73 with glutamine.
Molecular consequence: missense variant.
Genome position (GRCh38, 1-based): chrX:71,223,926, T>A. VCF-style: chrX-71223926-T-A. GRCh37 (hg19) VCF-style: chrX-70443776-T-A.
Other names: c.219T>A, p.His73Gln (NM_001097642.3); short protein forms H73Q.
Identifiers: ClinVar variation 3341434 (VCV003341434.1).

ClinVar aggregate classification (germline): Uncertain significance (1 of 4 stars; one submission).

Conditions:
Charcot-Marie-Tooth disease X-linked dominant 1. Also called: CHARCOT-MARIE-TOOTH NEUROPATHY, X-LINKED, 1; CHARCOT-MARIE-TOOTH PERONEAL MUSCULAR ATROPHY, X-LINKED; X-linked Charcot-Marie-Tooth disease type 1; GJB1 Disorders: Charcot-Marie-Tooth Neuropathy (CMT1X) and Central Nervous System Phenotypes; HEREDITARY MOTOR AND SENSORY NEUROPATHY, X-LINKED; HMSN, X-LINKED. Identifiers: Orphanet 101075, MedGen C0393808, MONDO:0010549, OMIM 302800.

Submission:

Neuberg Centre For Genomic Medicine, NCGM
Classification: Uncertain significance for Charcot-Marie-Tooth disease X-linked dominant 1. Last evaluated: 2023-05-20. Review status: criteria provided, single submitter. Criteria: ACMG Guidelines, 2015. Collection method: clinical testing. Allele origin: germline. Inheritance: X-linked dominant inheritance. Affected: yes.
Comment: The missense c.219T>A (p.His73Gln) variant in the GJB1 gene has not been reported previously as a pathogenic variant nor as a benign variant, to our knowledge. This variant is absent in the gnomAD Exomes. The amino acid Histidine at position 73 is changed to a Glutamine changing protein sequence and it might alter its composition and physico-chemical properties. Computational evidence (Polyphen - Damaging, SIFT - Tolerated and MutationTaster - Disease causing) predicts conflicting evidence on protein structure and function for this variant. For these reasons, this variant has been classified as Uncertain Significance.